The following is an entry in ClinVar:

ClinVar aggregate classification (germline): Conflicting classifications of pathogenicity. Review status: criteria provided, conflicting classifications (1 of 4 stars). 5 submissions from 5 submitters: Uncertain significance (3); Benign (1); Likely benign (1). Last evaluated 2026-05-23.

Conditions:
CACNB2-related disorder. Also called: CACNB2-related condition.
Cardiovascular phenotype. Identifiers: MedGen CN230736.
Brugada syndrome 4 (BRGDA4). Identifiers: Orphanet 130, MedGen C2678477, MONDO:0012743, OMIM 611876.

Allele frequency attached by ClinVar (database versions not stated): gnomAD exomes 0.00002; TOPMed 0.00002; gnomAD 0.00003 and 0.00004.
gnomAD v4.1: 39 of 1,613,840 alleles (0.0024%); highest among the groups gnomAD compares: East Asian, 0.0067%; no homozygotes.

Submissions (5):

PreventionGenetics, part of Exact Sciences
Classification: Uncertain significance for CACNB2-related condition. Last evaluated: 2026-05-23. Review status: criteria provided, single submitter. Criteria: ACMG Guidelines, 2015. Collection method: clinical testing. Allele origin: germline.
Comment: The CACNB2 c.1573G>A variant is predicted to result in the amino acid substitution p.Val525Met. This variant has been reported in at least two individuals with Brugada syndrome (as p.Val579Met in alternative transcript, Table S3, Proost et al. 2017. PubMed ID: 28341588; File S2, van Lint et al. 2019. PubMed ID: 30847666). This variant is reported in 0.016% of alleles in individuals of East Asian descent in gnomAD. At this time, the clinical significance of this variant is uncertain due to the absence of conclusive functional and genetic evidence.

CeGaT Center for Human Genetics Tuebingen
Classification: Likely benign. Last evaluated: 2026-02-01. Review status: criteria provided, single submitter. Criteria: CeGaT Center For Human Genetics Tuebingen Variant Classification Criteria Version 2. Collection method: clinical testing. Allele origin: germline. Affected: yes. Observed: 2 variant alleles.
Comment: CACNB2: BP4

Ambry Genetics
Classification: Benign for Cardiovascular phenotype. Last evaluated: 2025-08-06. Review status: criteria provided, single submitter. Criteria: Ambry Variant Classification Scheme 2023. Collection method: clinical testing. Allele origin: germline.

Labcorp Genetics (formerly Invitae), Labcorp
Classification: Uncertain significance for Brugada syndrome 4. Last evaluated: 2025-06-11. Review status: criteria provided, single submitter. Criteria: Invitae Variant Classification Sherloc (09022015). Collection method: clinical testing. Allele origin: germline.
Comment: This sequence change replaces valine, which is neutral and non-polar, with methionine, which is neutral and non-polar, at codon 525 of the CACNB2 protein (p.Val525Met). This variant is present in population databases (rs544535665, gnomAD 0.02%). This missense change has been observed in individual(s) with Brugada syndrome (PMID: 28341588, 30847666). This variant is also known as c.1735G>A p.V579M. ClinVar contains an entry for this variant (Variation ID: 666376). An algorithm developed to predict the effect of missense changes on protein structure and function outputs the following: PolyPhen-2: "Benign". The methionine amino acid residue is found in multiple mammalian species, which suggests that this missense change does not adversely affect protein function. In summary, the available evidence is currently insufficient to determine the role of this variant in disease. Therefore, it has been classified as a Variant of Uncertain Significance.

Fulgent Genetics
Classification: Uncertain significance for Brugada syndrome 4. Last evaluated: 2021-09-09. Review status: criteria provided, single submitter. Criteria: ACMG Guidelines, 2015. Collection method: clinical testing. Allele origin: unknown.

Literature cited by the submitters: PubMed 28341588 (cited by Ambry Genetics and Labcorp Genetics (formerly Invitae), Labcorp); PubMed 30847666 (cited by Labcorp Genetics (formerly Invitae), Labcorp).

NM_201596.3(CACNB2):c.1735G>A (p.Val579Met)

Gene: CACNB2 (calcium voltage-gated channel auxiliary subunit beta 2; plus strand). Cytogenetic location: 10p12.31.
Variant type: single nucleotide variant.
Coding change: c.1735G>A on transcript NM_201596.3 (MANE Select); coding-DNA position 1735, G replaced by A.
Protein change: p.Val579Met; replaces valine 579 with methionine.
Molecular consequence: missense variant.
Genome position (GRCh38, 1-based): chr10:18,539,476, G>A. VCF-style: chr10-18539476-G-A. GRCh37 (hg19) VCF-style: chr10-18828405-G-A.
Other names: c.1570G>A, p.Val524Met (NM_000724.4); c.1537G>A, p.Val513Met (NM_001167945.2); c.1456G>A, p.Val486Met (NM_001330060.2); c.1591G>A, p.Val531Met (NM_201570.3); c.1651G>A, p.Val551Met (NM_201571.4); c.1579G>A, p.Val527Met (NM_201572.4); c.1573G>A, p.Val525Met (NM_201590.3); c.1621G>A, p.Val541Met (NM_201593.3); and 1 more; short protein forms V524M, V551M, V513M, V525M, V579M, V555M, V486M, V527M.
Identifiers: ClinVar variation 666376 (VCV000666376.29), dbSNP rs544535665, ClinGen allele CA5430146.
Genomic context (GRCh38, chr10:18,539,476, plus strand): 5'-ACCCAGGAGAGTCGAGACTCTGCCTACGTAGAGCCAAAGGAAGATTATTCCCATGACCAC[G>A]TGGACCACTATGCCTCACACCGTGACCACAACCACAGAGACGAGACCCACGGGAGCAGTG-3'
Protein context (NP_963890.2, residues 569-589): EPKEDYSHDH[Val579Met]DHYASHRDHN